The following is an entry in ClinVar:

ClinVar aggregate classification (germline): Uncertain significance. Review status: criteria provided, multiple submitters, no conflicts (2 of 4 stars). 2 submissions from 2 submitters: Uncertain significance (2). Last evaluated 2026-06-23.

Conditions:
Cardiovascular phenotype. Identifiers: MedGen CN230736.
Dilated cardiomyopathy 1O (CMD1O). Also called: CARDIOMYOPATHY, DILATED, WITH VENTRICULAR TACHYCARDIA. Identifiers: Orphanet 154, MedGen C1837839, MONDO:0012062, OMIM 608569.

Submissions (2):

Ambry Genetics
Classification: Uncertain significance for Cardiovascular phenotype. Last evaluated: 2026-06-23. Review status: criteria provided, single submitter. Criteria: Ambry Variant Classification Scheme 2023. Collection method: clinical testing. Allele origin: germline.

Labcorp Genetics (formerly Invitae), Labcorp
Classification: Uncertain significance for Dilated cardiomyopathy 1O. Last evaluated: 2025-10-07. Review status: criteria provided, single submitter. Criteria: Invitae Variant Classification Sherloc (09022015). Collection method: clinical testing. Allele origin: germline.
Comment: This sequence change replaces valine, which is neutral and non-polar, with alanine, which is neutral and non-polar, at codon 1282 of the ABCC9 protein (p.Val1282Ala). This variant is not present in population databases (gnomAD no frequency). This variant has not been reported in the literature in individuals affected with ABCC9-related conditions. ClinVar contains an entry for this variant (Variation ID: 1354153). Invitae Evidence Modeling of protein sequence and biophysical properties (such as structural, functional, and spatial information, amino acid conservation, physicochemical variation, residue mobility, and thermodynamic stability) has been performed for this missense variant. However, the output from this modeling did not meet the statistical confidence thresholds required to predict the impact of this variant on ABCC9 protein function. In summary, the available evidence is currently insufficient to determine the role of this variant in disease. Therefore, it has been classified as a Variant of Uncertain Significance.

NM_020297.4(ABCC9):c.3845T>C (p.Val1282Ala)

Genes: ABCC9 (ATP binding cassette subfamily C member 9; minus strand), KCNJ8-AS1 (KCNJ8 antisense RNA 1; plus strand). Cytogenetic location: 12p12.1.
Variant type: single nucleotide variant.
Coding change: c.3845T>C on transcript NM_020297.4 (MANE Select); coding-DNA position 3845, T replaced by C.
Protein change: p.Val1282Ala; replaces valine 1282 with alanine.
Molecular consequence: missense variant.
Genome position (GRCh38, 1-based): chr12:21,817,234, A>G on the plus strand (T>C on the coding strand, the complement: ABCC9 is on the minus strand). VCF-style: chr12-21817234-A-G. GRCh37 (hg19) VCF-style: chr12-21970168-A-G.
Other names: c.3845T>C, p.Val1282Ala (NM_001377273.1, NM_005691.4); c.2978T>C, p.Val993Ala (NM_001377274.1); c.3845T>C (NM_005691.2); short protein forms V993A, V1282A.
Identifiers: ClinVar variation 1354153 (VCV001354153.7), dbSNP rs2137187429, ClinGen allele CA384136462.